The following is an entry in ClinVar:

NM_001127222.2(CACNA1A):c.2858G>A (p.Gly953Glu)

Gene: CACNA1A (calcium voltage-gated channel subunit alpha1 A; minus strand). Cytogenetic location: 19p13.13.
Variant type: single nucleotide variant.
Coding change: c.2858G>A on transcript NM_001127222.2 (MANE Select); coding-DNA position 2858, G replaced by A.
Protein change: p.Gly953Glu; replaces glycine 953 with glutamic acid.
Molecular consequence: missense variant.
Genome position (GRCh38, 1-based): chr19:13,298,775, C>T on the plus strand (G>A on the coding strand, the complement: CACNA1A is on the minus strand). VCF-style: chr19-13298775-C-T. GRCh37 (hg19) VCF-style: chr19-13409589-C-T.
Other names: c.2870G>A, p.Gly957Glu (NM_000068.4, NM_023035.3); c.2861G>A, p.Gly954Glu (NM_001127221.2, NM_001174080.2); short protein forms G954E, G953E, G957E.
Identifiers: ClinVar variation 2935002 (VCV002935002.5), dbSNP rs1050663010, ClinGen allele CA305506247.
Genomic context (GRCh38, chr19:13,298,775, plus strand): 5'-GCCTTGTCCTCCGGACCCTCCTCCCCGGGCCTGCGGTGCGCGCGATGACGTCGATGCTCC[C>T]CGTCCGCGCCCGTGCGCGGGGACCCGCTGCGGCTCTCCCTGCTGCCCCCCTGCCGGTGCA-3'
Protein context (NP_001120694.1, residues 943-963): RSGSPRTGAD[Gly953Glu]EHRRHRAHRR

ClinVar aggregate classification (germline): Uncertain significance. Review status: criteria provided, multiple submitters, no conflicts (2 of 4 stars). 2 submissions from 2 submitters: Uncertain significance (2). Last evaluated 2026-01-02.

Conditions:
Episodic ataxia type 2 (EA2). Also called: CEREBELLAR ATAXIA, PAROXYSMAL, ACETAZOLAMIDE-RESPONSIVE; CEREBELLOPATHY, HEREDITARY PAROXYSMAL; EPISODIC ATAXIA, NYSTAGMUS-ASSOCIATED; ACETAZOLAMIDE-RESPONSIVE HEREDITARY PAROXYSMAL CEREBELLAR ATAXIA; ATAXIA, EPISODIC, WITH NYSTAGMUS; ATAXIA, FAMILIAL PAROXYSMAL. Identifiers: Orphanet 97, MedGen C1720416, MONDO:0007163, OMIM 108500.
Developmental and epileptic encephalopathy, 42 (DEE42A). Also called: Epileptic encephalopathy, early infantile, 42; DEVELOPMENTAL AND EPILEPTIC ENCEPHALOPATHY 42A; EPILEPTIC ENCEPHALOPATHY, EARLY INFANTILE, 42A. Identifiers: MedGen C4310716, MONDO:0014917, OMIM 617106.

gnomAD v4.1: 6 of 1,526,656 alleles (0.00039%); highest among the groups gnomAD compares: Middle Eastern, 0.021%; no homozygotes.

Submissions (2):

Dasa
Classification: Uncertain significance. Last evaluated: 2026-01-02. Review status: criteria provided, single submitter. Criteria: DASA Assertion Criteria. Collection method: clinical testing. Allele origin: germline.
Comment: NM_001127222.2(CACNA1A):c.2858G>A (p.Gly953Glu) is a missense variant that results in the substitution of glycine with glutamic acid. This variant is rare in population databases. The currently available literature and clinical evidence are not sufficient to establish a definitive association between this variant and the reported condition. Therefore, this variant is classified as a variant of uncertain significance.

Labcorp Genetics (formerly Invitae), Labcorp
Classification: Uncertain significance for Developmental and epileptic encephalopathy, 42; Episodic ataxia type 2. Last evaluated: 2025-12-23. Review status: criteria provided, single submitter. Criteria: Invitae Variant Classification Sherloc (09022015). Collection method: clinical testing. Allele origin: germline.
Comment: This sequence change replaces glycine, which is neutral and non-polar, with glutamic acid, which is acidic and polar, at codon 954 of the CACNA1A protein (p.Gly954Glu). This variant is not present in population databases (gnomAD no frequency). This variant has not been reported in the literature in individuals affected with CACNA1A-related conditions. ClinVar contains an entry for this variant (Variation ID: 2935002). Invitae Evidence Modeling of protein sequence and biophysical properties (such as structural, functional, and spatial information, amino acid conservation, physicochemical variation, residue mobility, and thermodynamic stability) indicates that this missense variant is not expected to disrupt CACNA1A protein function with a negative predictive value of 95%. In summary, the available evidence is currently insufficient to determine the role of this variant in disease. Therefore, it has been classified as a Variant of Uncertain Significance.